The following is an entry in ClinVar:

ClinVar aggregate classification (germline): Uncertain significance. Review status: criteria provided, multiple submitters, no conflicts (2 of 4 stars). 5 submissions from 5 submitters: Uncertain significance (5). Last evaluated 2025-07-21.

Conditions:
Hereditary cancer-predisposing syndrome. Also called: Neoplastic Syndromes, Hereditary; Tumor predisposition; Hereditary neoplastic syndrome; Hereditary Cancer Syndrome. Identifiers: Orphanet 140162, MedGen C0027672, MeSH D009386, MONDO:0015356.
Hereditary diffuse gastric adenocarcinoma (HDGC). Also called: DIFFUSE GASTRIC AND LOBULAR BREAST CANCER SYNDROME. Identifiers: Orphanet 26106, MedGen C1708349, MONDO:0007648, OMIM 137215.
Familial cancer of breast. Also called: BREAST CANCER, FAMILIAL; Hereditary breast cancer; hereditary breast carcinoma. Identifiers: Orphanet 227535, MedGen C0346153, MONDO:0016419, OMIM 114480. Disease mechanism: loss of function.

Allele frequency attached by ClinVar (database versions not stated): TOPMed below 0.00001.

Submissions (5):

Labcorp Genetics (formerly Invitae), Labcorp
Classification: Uncertain significance for Hereditary diffuse gastric adenocarcinoma. Last evaluated: 2025-07-21. Review status: criteria provided, single submitter. Criteria: Invitae Variant Classification Sherloc (09022015). Collection method: clinical testing. Allele origin: germline.
Comment: This sequence change replaces threonine, which is neutral and polar, with alanine, which is neutral and non-polar, at codon 823 of the CDH1 protein (p.Thr823Ala). This variant is not present in population databases (gnomAD no frequency). This variant has not been reported in the literature in individuals affected with CDH1-related conditions. ClinVar contains an entry for this variant (Variation ID: 239897). An algorithm developed to predict the effect of missense changes on protein structure and function (PolyPhen-2) suggests that this variant is likely to be disruptive. In summary, the available evidence is currently insufficient to determine the role of this variant in disease. Therefore, it has been classified as a Variant of Uncertain Significance.

Ambry Genetics
Classification: Uncertain significance for Hereditary cancer-predisposing syndrome. Last evaluated: 2025-05-28. Review status: criteria provided, single submitter. Criteria: Ambry Variant Classification Scheme 2023. Collection method: clinical testing. Allele origin: germline.
Comment: The p.T823A variant (also known as c.2467A>G), located in coding exon 16 of the CDH1 gene, results from an A to G substitution at nucleotide position 2467. The threonine at codon 823 is replaced by alanine, an amino acid with similar properties. This amino acid position is highly conserved in available vertebrate species. In addition, the in silico prediction for this alteration is inconclusive. Since supporting evidence is limited at this time, the clinical significance of this alteration remains unclear.

Color Diagnostics, LLC DBA Color Health
Classification: Uncertain significance for Hereditary cancer-predisposing syndrome. Last evaluated: 2023-12-04. Review status: criteria provided, single submitter. Criteria: ACMG Guidelines, 2015. Collection method: clinical testing. Allele origin: germline.
Comment: This missense variant replaces threonine with alanine at codon 823 of the CDH1 protein. To our knowledge, functional studies have not been reported for this variant. This variant has not been reported in individuals affected with hereditary cancer in the literature. This variant has not been identified in the general population by the Genome Aggregation Database (gnomAD). The available evidence is insufficient to determine the role of this variant in disease conclusively. Therefore, this variant is classified as a Variant of Uncertain Significance.

Baylor Genetics
Classification: Uncertain significance for Familial cancer of breast. Last evaluated: 2023-07-16. Review status: criteria provided, single submitter. Criteria: ACMG Guidelines, 2015. Collection method: clinical testing. Allele origin: unknown.

Mendelics
Classification: Uncertain significance for Hereditary diffuse gastric adenocarcinoma. Last evaluated: 2019-05-28. Review status: criteria provided, single submitter. Criteria: Mendelics Assertion Criteria 2017. Collection method: clinical testing. Allele origin: unknown.

NM_004360.5(CDH1):c.2467A>G (p.Thr823Ala)

Gene: CDH1 (cadherin 1; plus strand). Cytogenetic location: 16q22.1.
Variant type: single nucleotide variant.
Coding change: c.2467A>G on transcript NM_004360.5 (MANE Select); coding-DNA position 2467, A replaced by G.
Protein change: p.Thr823Ala; replaces threonine 823 with alanine.
Molecular consequence: missense variant.
Genome position (GRCh38, 1-based): chr16:68,833,317, A>G. VCF-style: chr16-68833317-A-G. GRCh37 (hg19) VCF-style: chr16-68867220-A-G.
Other names: c.2467A>G (LRG_301t1); c.2284A>G, p.Thr762Ala (NM_001317184.2); c.919A>G, p.Thr307Ala (NM_001317185.2); c.502A>G, p.Thr168Ala (NM_001317186.2); short protein forms T823A, T168A, T307A, T762A.
Identifiers: ClinVar variation 239897 (VCV000239897.21), dbSNP rs878854686, ClinGen allele CA10583424.